The following is an entry in ClinVar:

NM_152419.3(HGSNAT):c.1150C>G (p.Arg384Gly)

Gene: HGSNAT (heparan-alpha-glucosaminide N-acetyltransferase; plus strand). Cytogenetic location: 8p11.21.
Variant type: single nucleotide variant.
Coding change: c.1150C>G on transcript NM_152419.3 (MANE Select); coding-DNA position 1150, C replaced by G.
Protein change: p.Arg384Gly; replaces arginine 384 with glycine.
Molecular consequence: missense variant.
Genome position (GRCh38, 1-based): chr8:43,191,495, C>G. VCF-style: chr8-43191495-C-G. GRCh37 (hg19) VCF-style: chr8-43046638-C-G.
Other names: c.1150C>G, p.Arg384Gly (NM_001363227.2); c.958C>G, p.Arg320Gly (NM_001363228.2); c.286C>G, p.Arg96Gly (NM_001363229.2); short protein forms R320G, R384G, R96G.
Identifiers: ClinVar variation 2581447 (VCV002581447.1), dbSNP rs775078211, ClinGen allele CA371118986.
Genomic context (GRCh38, chr8:43,191,495, plus strand): 5'-TTTAGTTCACCCGTGTTTTATTTTTCTGCCCCCACTCAGGAGAGGAGCTGCCTTTCTCTT[C>G]GAGACATCACGTCCAGCTGGCCCCAGTGGCTGCTCATCCTGGTGCTGGAAGGCCTGTGGC-3'
Protein context (NP_689632.2, residues 374-394): CASERSCLSL[Arg384Gly]DITSSWPQWL

ClinVar aggregate classification (germline): Uncertain significance (1 of 4 stars; one submission).

gnomAD v4.1: 6 of 1,613,774 alleles (0.00037%); highest among the groups gnomAD compares: Non-Finnish European, 0.00042%; no homozygotes.

Submission:

Women's Health and Genetics/Laboratory Corporation of America, LabCorp
Classification: Uncertain significance. Last evaluated: 2023-08-03. Review status: criteria provided, single submitter. Criteria: LabCorp Variant Classification Summary - May 2015. Collection method: clinical testing. Allele origin: germline.
Comment: Variant summary: HGSNAT c.1150C>G (p.Arg384Gly) results in a non-conservative amino acid change in the encoded protein sequence. Three of four in-silico tools predict a benign effect of the variant on protein function. The variant allele was found at a frequency of 4e-06 in 249254 control chromosomes (gnomAD). The available data on variant occurrences in the general population are insufficient to allow any conclusion about variant significance. To our knowledge, no occurrence of c.1150C>G in individuals affected with Mucopolysaccharidosis Type IIIC (Sanfilippo Syndrome C) and no experimental evidence demonstrating its impact on protein function have been reported. No submitters have cited clinical-significance assessments for this variant to ClinVar after 2014. Based on the evidence outlined above, the variant was classified as uncertain significance.